The following is an entry in ClinVar:

ClinVar aggregate classification (germline): Pathogenic. Review status: criteria provided, multiple submitters, no conflicts (2 of 4 stars). 2 submissions from 2 submitters: Pathogenic (2). Last evaluated 2025-10-29.

Conditions:
Succinate-semialdehyde dehydrogenase deficiency (SSADHD). Also called: Succinic Semialdehyde Dehydrogenase Deficiency; 4-HYDROXYBUTYRIC ACIDURIA; GABA METABOLIC DEFECT; SSADH DEFICIENCY. Identifiers: Orphanet 22, MedGen C0268631, MONDO:0010083, OMIM 271980.

Allele frequency attached by ClinVar (database versions not stated): gnomAD exomes 0.00001.

Submissions (2):

Institute of Human Genetics, University of Leipzig Medical Center
Classification: Pathogenic for Succinate-semialdehyde dehydrogenase deficiency. Last evaluated: 2025-10-29. Review status: criteria provided, single submitter. Criteria: ACMG Guidelines, 2015. Collection method: clinical testing. Allele origin: unknown. Inheritance: Autosomal recessive inheritance. Affected: yes.
Comment: Criteria applied: PS1,PM2,PM3,PM4; Identified as compund heterozygous with NM_001080.3:c.508G>A

Revvity Omics, Revvity
Classification: Pathogenic for Succinate-semialdehyde dehydrogenase deficiency. Last evaluated: 2021-12-21. Review status: criteria provided, single submitter. Criteria: ACMG Guidelines, 2015. Collection method: clinical testing. Allele origin: germline.

NM_001080.3(ALDH5A1):c.870+1G>T

Gene: ALDH5A1 (aldehyde dehydrogenase 5 family member A1; plus strand). Cytogenetic location: 6p22.3.
Variant type: single nucleotide variant.
Coding change: c.870+1G>T on transcript NM_001080.3 (MANE Select); the canonical splice donor site of the intron after coding-DNA position 870, G replaced by T.
Molecular consequence: splice donor variant. On other transcripts: intron variant (1).
Genome position (GRCh38, 1-based): chr6:24,515,311, G>T. VCF-style: chr6-24515311-G-T. GRCh37 (hg19) VCF-style: chr6-24515539-G-T.
Other names: c.909+1G>T (NM_170740.1); c.727-5090G>T (NM_001368954.1).
Identifiers: ClinVar variation 2434976 (VCV002434976.4), dbSNP rs1402222766, ClinGen allele CA362972203.
Genomic context (GRCh38, chr6:24,515,311, plus strand): 5'-ATTTGTACTGATCCTCTGGTGTCCAAAATTTCCTTTACTGGTTCAACAACTACAGGAAAG[G>T]TATGTGACTCAAGTTTCAAAGAAAACAAATGTCTTTCTAATATTTTATCTTGATAGGTTA-3'